The following is an entry in ClinVar:

ClinVar aggregate classification (germline): Uncertain significance. Review status: criteria provided, multiple submitters, no conflicts (2 of 4 stars). 5 submissions from 5 submitters: Uncertain significance (5). Last evaluated 2025-11-05.

Conditions:
Inborn genetic diseases. Identifiers: MedGen C0950123, MeSH D030342.
Nemaline myopathy 8 (NEM8). Also called: Nemaline myopathy 8, autosomal recessive. Identifiers: Orphanet 171430, MedGen C3809209, MONDO:0014138, OMIM 615348.

Allele frequency attached by ClinVar (database versions not stated): gnomAD 0.00001 and 0.00003; TOPMed 0.00002; gnomAD exomes 0.00008; ExAC 0.00010.
gnomAD v4.1: 78 of 1,613,878 alleles (0.0048%); highest among the groups gnomAD compares: South Asian, 0.068%; 2 homozygotes.

Submissions (5):

3billion
Classification: Uncertain significance for Nemaline myopathy 8. Last evaluated: 2025-11-05. Review status: criteria provided, single submitter. Criteria: ACMG Guidelines, 2015. Collection method: clinical testing. Allele origin: germline. Affected: yes.
Comment: The variant is observed at an extremely low frequency in the gnomAD v4.1.0 dataset (total allele frequency: 0.005%). Predicted Consequence/Location: Missense variant In silico tool predictions suggest damaging effect of the variant on gene or gene product [REVEL: 0.62 (>=0.6, sensitivity 0.68 and specificity 0.92); 3Cnet: 0.99 (> 0.75, sensitivity 0.96 and precision 0.92)]. The variant has been reported as of uncertain significance (ClinVar ID: VCV000848562). Therefore, this variant is classified as VUS according to the recommendation of ACMG/AMP guideline.

Revvity Omics, Revvity
Classification: Uncertain significance for Nemaline myopathy 8. Last evaluated: 2025-06-17. Review status: criteria provided, single submitter. Criteria: ACMG Guidelines, 2015. Collection method: clinical testing. Allele origin: germline.

Ambry Genetics
Classification: Uncertain significance for Inborn genetic diseases. Last evaluated: 2024-05-07. Review status: criteria provided, single submitter. Criteria: Ambry Variant Classification Scheme 2023. Collection method: clinical testing. Allele origin: germline.

Blueprint Genetics
Classification: Uncertain significance. Last evaluated: 2023-11-02. Review status: criteria provided, single submitter. Criteria: ACMG Guidelines, 2015. Collection method: clinical testing. Allele origin: germline.

Labcorp Genetics (formerly Invitae), Labcorp
Classification: Uncertain significance for Nemaline myopathy 8. Last evaluated: 2022-06-20. Review status: criteria provided, single submitter. Criteria: Invitae Variant Classification Sherloc (09022015). Collection method: clinical testing. Allele origin: germline.
Comment: This sequence change replaces valine, which is neutral and non-polar, with methionine, which is neutral and non-polar, at codon 416 of the KLHL40 protein (p.Val416Met). This variant is present in population databases (rs759198473, gnomAD 0.06%). This variant has not been reported in the literature in individuals affected with KLHL40-related conditions. ClinVar contains an entry for this variant (Variation ID: 848562). Algorithms developed to predict the effect of missense changes on protein structure and function are either unavailable or do not agree on the potential impact of this missense change (SIFT: "Deleterious"; PolyPhen-2: "Possibly Damaging"; Align-GVGD: "Class C0"). In summary, the available evidence is currently insufficient to determine the role of this variant in disease. Therefore, it has been classified as a Variant of Uncertain Significance.

NM_152393.4(KLHL40):c.1246G>A (p.Val416Met)

Gene: KLHL40 (kelch like family member 40; plus strand). Cytogenetic location: 3p22.1.
Variant type: single nucleotide variant.
Coding change: c.1246G>A on transcript NM_152393.4 (MANE Select); coding-DNA position 1246, G replaced by A.
Protein change: p.Val416Met; replaces valine 416 with methionine.
Molecular consequence: missense variant.
Genome position (GRCh38, 1-based): chr3:42,688,235, G>A. VCF-style: chr3-42688235-G-A. GRCh37 (hg19) VCF-style: chr3-42729727-G-A.
Other names: c.1246G>A (NM_152393.2); short protein forms V416M.
Identifiers: ClinVar variation 848562 (VCV000848562.8), dbSNP rs759198473, ClinGen allele CA2336868.
Genomic context (GRCh38, chr3:42,688,235, plus strand): 5'-CCACCGCTGCCCTCGCCCCGCTGCCTCTTTGGCCTGGGAGAAGCTCTCAACTCCATCTAC[G>A]TGGTCGGTGGCAGAGAGATCAAGGACGGCGAGCGCTGCCTGGACTCGGTCATGTGCTACG-3'
Protein context (NP_689606.2, residues 406-426): GLGEALNSIY[Val416Met]VGGREIKDGE